The following is an entry in ClinVar:

ClinVar aggregate classification (germline): Likely benign. Review status: criteria provided, multiple submitters, no conflicts (2 of 4 stars). 2 submissions from 2 submitters: Likely benign (2). Last evaluated 2025-04-23.

Conditions:
Pyridoxine-dependent epilepsy (EPEO4). Also called: Pyridoxine-Dependent Seizures; PYRIDOXINE DEPENDENCY WITH SEIZURES; EPILEPSY, EARLY-ONSET, 4, VITAMIN B6-DEPENDENT; Pyridoxine-Dependent Epilepsy - ALDH7A1. Identifiers: Orphanet 3006, MedGen C1849508, MONDO:0009945, OMIM 266100. Disease mechanism: loss of function.

Allele frequency attached by ClinVar (database versions not stated): gnomAD exomes below 0.00001 and 0.00001; TOPMed 0.00001; ExAC 0.00001; gnomAD 0.00001; ESP Exome Variant Server 0.00008.
gnomAD v4.1: 5 of 1,613,712 alleles (0.00031%); highest among the groups gnomAD compares: East Asian, 0.0045%; no homozygotes.

Submissions (2):

Labcorp Genetics (formerly Invitae), Labcorp
Classification: Likely benign for Pyridoxine-dependent epilepsy. Last evaluated: 2025-04-23. Review status: criteria provided, single submitter. Criteria: Invitae Variant Classification Sherloc (09022015). Collection method: clinical testing. Allele origin: germline.

GeneDx
Classification: Likely benign. Last evaluated: 2017-11-07. Review status: criteria provided, single submitter. Criteria: GeneDx Variant Classification (06012015). Collection method: clinical testing. Allele origin: germline. Affected: yes.
Comment: This variant is considered likely benign or benign based on one or more of the following criteria: it is a conservative change, it occurs at a poorly conserved position in the protein, it is predicted to be benign by multiple in silico algorithms, and/or has population frequency not consistent with disease.

NM_001182.5(ALDH7A1):c.450T>C (p.Tyr150=)

Gene: ALDH7A1 (aldehyde dehydrogenase 7 family member A1; minus strand). Cytogenetic location: 5q23.2.
Variant type: single nucleotide variant.
Coding change: c.450T>C on transcript NM_001182.5 (MANE Select); coding-DNA position 450, T replaced by C.
Protein change: p.Tyr150=; no amino-acid change (tyrosine 150 retained).
Molecular consequence: synonymous variant.
Genome position (GRCh38, 1-based): chr5:126,582,918, A>G on the plus strand (T>C on the coding strand, the complement: ALDH7A1 is on the minus strand). VCF-style: chr5-126582918-A-G. GRCh37 (hg19) VCF-style: chr5-125918610-A-G.
Other names: c.366T>C, p.Tyr122= (NM_001201377.2); c.450T>C, p.Tyr150= (NM_001202404.2).
Identifiers: ClinVar variation 513081 (VCV000513081.4), dbSNP rs375095250, ClinGen allele CA3389763.